The following is an entry in ClinVar:

ClinVar aggregate classification (germline): Uncertain significance (1 of 4 stars; one submission).

Allele frequency attached by ClinVar (database versions not stated): gnomAD exomes below 0.00001; gnomAD 0.00001.

Submission:

Labcorp Genetics (formerly Invitae), Labcorp
Classification: Uncertain significance. Last evaluated: 2022-08-21. Review status: criteria provided, single submitter. Criteria: Invitae Variant Classification Sherloc (09022015). Collection method: clinical testing. Allele origin: germline.
Comment: This variant is not present in population databases (gnomAD no frequency). In summary, the available evidence is currently insufficient to determine the role of this variant in disease. Therefore, it has been classified as a Variant of Uncertain Significance. Algorithms developed to predict the effect of missense changes on protein structure and function are either unavailable or do not agree on the potential impact of this missense change (SIFT: "Deleterious"; PolyPhen-2: "Possibly Damaging"; Align-GVGD: "Class C0"). This variant has not been reported in the literature in individuals affected with DMXL2-related conditions. This sequence change replaces proline, which is neutral and non-polar, with serine, which is neutral and polar, at codon 179 of the DMXL2 protein (p.Pro179Ser).

NM_001378457.1(DMXL2):c.535C>T (p.Pro179Ser)

Gene: DMXL2 (Dmx like 2; minus strand). Cytogenetic location: 15q21.2.
Variant type: single nucleotide variant.
Coding change: c.535C>T on transcript NM_001378457.1 (MANE Select); coding-DNA position 535, C replaced by T.
Protein change: p.Pro179Ser; replaces proline 179 with serine.
Molecular consequence: missense variant. On other transcripts: non-coding transcript variant (2).
Genome position (GRCh38, 1-based): chr15:51,563,413, G>A on the plus strand (C>T on the coding strand, the complement: DMXL2 is on the minus strand). VCF-style: chr15-51563413-G-A. GRCh37 (hg19) VCF-style: chr15-51855610-G-A.
Other names: c.535C>T, p.Pro179Ser (NM_001174116.3, NM_001174117.3, NM_001378458.1 and 7 more transcripts); short protein forms P179S.
Identifiers: ClinVar variation 2052523 (VCV002052523.4), dbSNP rs2050084842, ClinGen allele CA392755686.